The following is an entry in ClinVar:

NM_000138.5(FBN1):c.6286T>C (p.Cys2096Arg)

Gene: FBN1 (fibrillin 1; minus strand). Cytogenetic location: 15q21.1.
Variant type: single nucleotide variant.
Coding change: c.6286T>C on transcript NM_000138.5 (MANE Select); coding-DNA position 6286, T replaced by C.
Protein change: p.Cys2096Arg; replaces cysteine 2096 with arginine.
Molecular consequence: missense variant.
Genome position (GRCh38, 1-based): chr15:48,437,795, A>G on the plus strand (T>C on the coding strand, the complement: FBN1 is on the minus strand). VCF-style: chr15-48437795-A-G. GRCh37 (hg19) VCF-style: chr15-48729992-A-G.
Other names: c.6286T>C, p.Cys2096Arg (NM_001406716.1); short protein forms C2096R.
Identifiers: ClinVar variation 4789639 (VCV004789639.1).

ClinVar aggregate classification (germline): Likely pathogenic (1 of 4 stars; one submission).

Conditions:
Marfan syndrome (MFS). Also called: FBN1-Related Marfan Syndrome; MARFAN SYNDROME, TYPE I; Marfan syndrome type 1; Marfan's syndrome; Marfan syndrome, classic. Identifiers: Orphanet 284963, Orphanet 558, MedGen C0024796, MONDO:0007947, OMIM 154700.
Familial thoracic aortic aneurysm and aortic dissection (TAAD). Also called: Thoracic aortic aneurysms and dissections. Identifiers: Orphanet 91387, MedGen C4707243, MONDO:0019625.

Submission:

Labcorp Genetics (formerly Invitae), Labcorp
Classification: Likely pathogenic for Marfan syndrome; Familial thoracic aortic aneurysm and aortic dissection. Last evaluated: 2025-11-08. Review status: criteria provided, single submitter. Criteria: Invitae Variant Classification Sherloc (09022015). Collection method: clinical testing. Allele origin: germline.
Comment: This sequence change replaces cysteine, which is neutral and slightly polar, with arginine, which is basic and polar, at codon 2096 of the FBN1 protein (p.Cys2096Arg). This variant is not present in population databases (gnomAD no frequency). This variant has not been reported in the literature in individuals affected with FBN1-related conditions. Invitae Evidence Modeling of protein sequence and biophysical properties (such as structural, functional, and spatial information, amino acid conservation, physicochemical variation, residue mobility, and thermodynamic stability) indicates that this missense variant is expected to disrupt FBN1 protein function with a positive predictive value of 95%. This variant affects a cysteine residue in the EGF-like, TGFBP or hybrid motif domains of FBN1. Cysteine residues are believed to be involved in intramolecular disulfide bridges and have been shown to be important for FBN1 protein structure (PMID: 16905551, 19349279). In addition, missense substitutions affecting cysteine residues within these domains are significantly overrepresented among patients with Marfan syndrome (PMID: 16571647, 17701892). In summary, the currently available evidence indicates that the variant is pathogenic, but additional data are needed to prove that conclusively. Therefore, this variant has been classified as Likely Pathogenic.

Literature cited by the submitters: PubMed 16905551; PubMed 19349279; PubMed 16571647; PubMed 17701892.